The following is an entry in ClinVar:

NM_020964.3(EPG5):c.4775A>G (p.Lys1592Arg)

Gene: EPG5 (ectopic P-granules 5 autophagy tethering factor; minus strand). Cytogenetic location: 18q12.3.
Variant type: single nucleotide variant.
Coding change: c.4775A>G on transcript NM_020964.3 (MANE Select); coding-DNA position 4775, A replaced by G.
Protein change: p.Lys1592Arg; replaces lysine 1592 with arginine.
Molecular consequence: missense variant.
Genome position (GRCh38, 1-based): chr18:45,899,438, T>C on the plus strand (A>G on the coding strand, the complement: EPG5 is on the minus strand). VCF-style: chr18-45899438-T-C. GRCh37 (hg19) VCF-style: chr18-43479403-T-C.
Other names: short protein forms K1592R.
Identifiers: ClinVar variation 1305360 (VCV001305360.2), dbSNP rs2145575638, ClinGen allele CA402336791.

ClinVar aggregate classification (germline): Uncertain significance (1 of 4 stars; one submission).

Submission:

GeneDx
Classification: Uncertain significance. Last evaluated: 2019-05-01. Review status: criteria provided, single submitter. Criteria: GeneDx Variant Classification Process June 2021. Collection method: clinical testing. Allele origin: germline. Affected: yes.
Comment: Has not been previously published as pathogenic or benign to our knowledge; Not observed in large population cohorts (Lek et al., 2016); In silico analysis, which includes protein predictors and evolutionary conservation, supports that this variant does not alter protein structure/function